The following is an entry in ClinVar:

ClinVar aggregate classification (germline): Pathogenic (1 of 4 stars; one submission).

Submission:

Labcorp Genetics (formerly Invitae), Labcorp
Classification: Pathogenic. Last evaluated: 2018-12-11. Review status: criteria provided, single submitter. Criteria: Invitae Variant Classification Sherloc (09022015). Collection method: clinical testing. Allele origin: germline.
Comment: This sequence change creates a premature translational stop signal (p.Val1267Trpfs*38) in the LRPPRC gene. It is expected to result in an absent or disrupted protein product. This variant is not present in population databases (ExAC no frequency). This variant has not been reported in the literature in individuals with LRPPRC-related conditions. Loss-of-function variants in LRPPRC are known to be pathogenic (PMID: 26510951). For these reasons, this variant has been classified as Pathogenic.

Literature cited by the submitters: PubMed 26510951.

NM_133259.4(LRPPRC):c.3799del (p.Val1267fs)

Gene: LRPPRC (leucine rich pentatricopeptide repeat containing; minus strand). Cytogenetic location: 2p21.
Variant type: Deletion.
Coding change: c.3799del on transcript NM_133259.4 (MANE Select); coding-DNA position 3799, one base deleted (G; older notation c.3799delG).
Protein change: p.Val1267fs; shifts the reading frame from valine 1267.
Molecular consequence: frameshift variant.
Genome position (GRCh38, 1-based): chr2:43,899,245, C deleted on the plus strand (G on the coding strand, the reverse complement: LRPPRC is on the minus strand); the first of 2 consecutive C bases (chr2:43,899,245-43,899,246); deleting either gives the same sequence. VCF-style (leftmost placement, unchanged base first): chr2-43899244-AC-A. GRCh37 (hg19) VCF-style: chr2-44126383-AC-A.
Other names: c.3799delG (NM_133259.3); short protein forms V1267fs.
Identifiers: ClinVar variation 645281 (VCV000645281.6), dbSNP rs1572894174, ClinGen allele CA915943780.
Genomic context (GRCh38, chr2:43,899,244, plus strand): 5'-CGAGCCCCACTGCTCCATGAGTGGAGGGTCATTACCTGTAGGAGAGCTCTGGCATCATCC[AC>A]CTTGCCTGCATCCACAAGTTGAAGGAAAAAATCAGTGACAGGTTTATAAATTGCAAACTG-3'